The following is an entry in ClinVar:

ClinVar aggregate classification (germline): Uncertain significance. Review status: criteria provided, multiple submitters, no conflicts (2 of 4 stars). 2 submissions from 2 submitters: Uncertain significance (2). Last evaluated 2022-04-25.

Conditions:
Inborn genetic diseases. Identifiers: MedGen C0950123, MeSH D030342.

Allele frequency attached by ClinVar (database versions not stated): gnomAD exomes below 0.00001; TOPMed 0.00001; gnomAD 0.00003.
gnomAD v4.1: 7 of 1,612,492 alleles (0.00043%); highest among the groups gnomAD compares: African/African-American, 0.0067%; no homozygotes.

Submissions (2):

Labcorp Genetics (formerly Invitae), Labcorp
Classification: Uncertain significance. Last evaluated: 2022-04-25. Review status: criteria provided, single submitter. Criteria: Invitae Variant Classification Sherloc (09022015). Collection method: clinical testing. Allele origin: germline.
Comment: In summary, the available evidence is currently insufficient to determine the role of this variant in disease. Therefore, it has been classified as a Variant of Uncertain Significance. Algorithms developed to predict the effect of missense changes on protein structure and function are either unavailable or do not agree on the potential impact of this missense change (SIFT: "Tolerated"; PolyPhen-2: "Probably Damaging"; Align-GVGD: "Class C0"). This variant has not been reported in the literature in individuals affected with CEP135-related conditions. This variant is present in population databases (no rsID available, gnomAD 0.01%). This sequence change replaces leucine, which is neutral and non-polar, with phenylalanine, which is neutral and non-polar, at codon 199 of the CEP135 protein (p.Leu199Phe).

Ambry Genetics
Classification: Uncertain significance for Inborn genetic diseases. Last evaluated: 2021-07-15. Review status: criteria provided, single submitter. Criteria: Ambry Variant Classification Scheme 2023. Collection method: clinical testing. Allele origin: germline.

NM_025009.5(CEP135):c.595C>T (p.Leu199Phe)

Gene: CEP135 (centrosomal protein 135; plus strand). Cytogenetic location: 4q12.
Variant type: single nucleotide variant.
Coding change: c.595C>T on transcript NM_025009.5 (MANE Select); coding-DNA position 595, C replaced by T.
Protein change: p.Leu199Phe; replaces leucine 199 with phenylalanine.
Molecular consequence: missense variant.
Genome position (GRCh38, 1-based): chr4:55,957,345, C>T. VCF-style: chr4-55957345-C-T. GRCh37 (hg19) VCF-style: chr4-56823511-C-T.
Other names: short protein forms L199F.
Identifiers: ClinVar variation 1938241 (VCV001938241.6), dbSNP rs1304201119, ClinGen allele CA356970858.